The following is an entry in ClinVar:

ClinVar aggregate classification (germline): Uncertain significance (1 of 4 stars; one submission).

Submission:

Labcorp Genetics (formerly Invitae), Labcorp
Classification: Uncertain significance. Last evaluated: 2024-12-06. Review status: criteria provided, single submitter. Criteria: Invitae Variant Classification Sherloc (09022015). Collection method: clinical testing. Allele origin: germline.
Comment: This sequence change replaces arginine, which is basic and polar, with lysine, which is basic and polar, at codon 31 of the SLC12A2 protein (p.Arg31Lys). This variant is not present in population databases (gnomAD no frequency). This variant has not been reported in the literature in individuals affected with SLC12A2-related conditions. Invitae Evidence Modeling of protein sequence and biophysical properties (such as structural, functional, and spatial information, amino acid conservation, physicochemical variation, residue mobility, and thermodynamic stability) indicates that this missense variant is not expected to disrupt SLC12A2 protein function with a negative predictive value of 95%. In summary, the available evidence is currently insufficient to determine the role of this variant in disease. Therefore, it has been classified as a Variant of Uncertain Significance.

NM_001046.3(SLC12A2):c.92G>A (p.Arg31Lys)

Genes: SLC12A2 (solute carrier family 12 member 2; plus strand), LOC129994526 (ATAC-STARR-seq lymphoblastoid silent region 16295; plus strand). Cytogenetic location: 5q23.3.
Variant type: single nucleotide variant.
Coding change: c.92G>A on transcript NM_001046.3 (MANE Select); coding-DNA position 92, G replaced by A.
Protein change: p.Arg31Lys; replaces arginine 31 with lysine.
Molecular consequence: missense variant. On other transcripts: non-coding transcript variant (1).
Genome position (GRCh38, 1-based): chr5:128,084,046, G>A. VCF-style: chr5-128084046-G-A. GRCh37 (hg19) VCF-style: chr5-127419738-G-A.
Other names: c.92G>A, p.Arg31Lys (NM_001256461.2); short protein forms R31K.
Identifiers: ClinVar variation 3682883 (VCV003682883.2).